The following is an entry in ClinVar:

NM_004958.4(MTOR):c.3466A>G (p.Ile1156Val)

Gene: MTOR (mechanistic target of rapamycin kinase; minus strand). Cytogenetic location: 1p36.22.
Variant type: single nucleotide variant.
Coding change: c.3466A>G on transcript NM_004958.4 (MANE Select); coding-DNA position 3466, A replaced by G.
Protein change: p.Ile1156Val; replaces isoleucine 1156 with valine.
Molecular consequence: missense variant.
Genome position (GRCh38, 1-based): chr1:11,212,407, T>C on the plus strand (A>G on the coding strand, the complement: MTOR is on the minus strand). VCF-style: chr1-11212407-T-C. GRCh37 (hg19) VCF-style: chr1-11272464-T-C.
Other names: c.3466A>G, p.Ile1156Val (NM_001386500.1); c.2218A>G, p.Ile740Val (NM_001386501.1); short protein forms I1156V, I740V.
Identifiers: ClinVar variation 2829898 (VCV002829898.4), dbSNP rs2523105752, ClinGen allele CA338373074.

ClinVar aggregate classification (germline): Uncertain significance. Review status: criteria provided, multiple submitters, no conflicts (2 of 4 stars). 2 submissions from 2 submitters: Uncertain significance (2). Last evaluated 2025-02-07.

Conditions:
Inborn genetic diseases. Identifiers: MedGen C0950123, MeSH D030342.

Submissions (2):

Ambry Genetics
Classification: Uncertain significance for Inborn genetic diseases. Last evaluated: 2025-02-07. Review status: criteria provided, single submitter. Criteria: Ambry Variant Classification Scheme 2023. Collection method: clinical testing. Allele origin: germline.

Labcorp Genetics (formerly Invitae), Labcorp
Classification: Uncertain significance. Last evaluated: 2023-01-18. Review status: criteria provided, single submitter. Criteria: Invitae Variant Classification Sherloc (09022015). Collection method: clinical testing. Allele origin: germline.
Comment: In summary, the available evidence is currently insufficient to determine the role of this variant in disease. Therefore, it has been classified as a Variant of Uncertain Significance. Advanced modeling of protein sequence and biophysical properties (such as structural, functional, and spatial information, amino acid conservation, physicochemical variation, residue mobility, and thermodynamic stability) performed at Invitae indicates that this missense variant is not expected to disrupt MTOR protein function. This variant has not been reported in the literature in individuals affected with MTOR-related conditions. This variant is not present in population databases (gnomAD no frequency). This sequence change replaces isoleucine, which is neutral and non-polar, with valine, which is neutral and non-polar, at codon 1156 of the MTOR protein (p.Ile1156Val).